The following is an entry in ClinVar:

ClinVar aggregate classification (germline): Pathogenic/Likely pathogenic. Review status: criteria provided, multiple submitters, no conflicts (2 of 4 stars). 9 submissions from 9 submitters: Pathogenic (4); Likely pathogenic (5). Last evaluated 2026-09-02.

Conditions:
Familial hyperparathyroidism or Hypocalciuric hypercalcaemia.
Autosomal dominant hypocalcemia 1 (HYPOC1). Also called: HYPOCALCEMIA, FAMILIAL. Identifiers: MedGen C3715128, MONDO:0011013, OMIM 601198.
Epilepsy, idiopathic generalized, susceptibility to, 8. Identifiers: MedGen C2752062, MONDO:0013032, OMIM 612899.
Neonatal severe primary hyperparathyroidism. Identifiers: Orphanet 417, MedGen C1832615, MONDO:0009397, OMIM 239200.
Familial hypocalciuric hypercalcemia 1. Also called: Hypercalcemia, familial benign type 1. Identifiers: Orphanet 405, Orphanet 93372, MedGen C0342637, MONDO:0007791, OMIM 145980.
Primary immunodeficiency or monogenic inflammatory bowel disease.
CASR-related disorder. Also called: CASR-related condition.
Familial hypocalciuric hypercalcemia (FHH). Also called: Familial benign hypercalcemia. Identifiers: Orphanet 405, MedGen C1809471, MONDO:0018458.

Allele frequency attached by ClinVar (database versions not stated): gnomAD exomes 0.00002 and 0.00001; TOPMed 0.00003; ESP Exome Variant Server 0.00008; gnomAD 0.00001; ExAC 0.00002.
gnomAD v4.1: 13 of 1,614,010 alleles (0.00081%); highest among the groups gnomAD compares: African/African-American, 0.004%; no homozygotes.

Submissions (9):

Cambridge Genomics Laboratory, East Genomic Laboratory Hub, NHS Genomic Medicine Service
Classification: Likely pathogenic for Familial hyperparathyroidism or Hypocalciuric hypercalcaemia. Last evaluated: 2026-09-02. Review status: criteria provided, single submitter. Criteria: ACGS Best Practice Guidelines for Variant Classification in Rare Disease 2020. Collection method: clinical testing. Allele origin: germline. Affected: yes.
Comment: PS3_Moderate,PS4_Moderate,PM1,PM2_Supporting,PP4

Labcorp Genetics (formerly Invitae), Labcorp
Classification: Pathogenic for Familial hypocalciuric hypercalcemia; Autosomal dominant hypocalcemia 1. Last evaluated: 2025-12-03. Review status: criteria provided, single submitter. Criteria: Invitae Variant Classification Sherloc (09022015). Collection method: clinical testing. Allele origin: germline.
Comment: This sequence change replaces asparagine, which is neutral and polar, with serine, which is neutral and polar, at codon 802 of the CASR protein (p.Asn802Ser). This variant is present in population databases (rs140022350, gnomAD 0.01%). This missense change has been observed in individual(s) with familial hypocalciuric hypercalcemia (PMID: 23169696, 26963950, 32386559). It has also been observed to segregate with disease in related individuals. Invitae Evidence Modeling of clinical and family history, age, sex, and reported ancestry of multiple individuals with this CASR variant has been performed. This variant is expected to be pathogenic with a positive predictive value of at least 99%. This is a validated machine learning model that incorporates the clinical features of 646,172 individuals referred to our laboratory for CASR testing. ClinVar contains an entry for this variant (Variation ID: 379931). An algorithm developed to predict the effect of missense changes on protein structure and function (PolyPhen-2) suggests that this variant is likely to be disruptive. Experimental studies have shown that this missense change affects CASR function (PMID: 23169696, 32386559). For these reasons, this variant has been classified as Pathogenic.

North West Genomic Laboratory Hub, Manchester University NHS Foundation Trust
Classification: Likely pathogenic for Primary immunodeficiency or monogenic inflammatory bowel disease. Last evaluated: 2025-07-15. Review status: criteria provided, single submitter. Criteria: ACGS Best Practice Guidelines for Variant Classification in Rare Disease 2024. Collection method: clinical testing. Allele origin: germline. Affected: yes.
Comment: PM1_Mod PS4_Supp PP4_Supp PS3_Str

Women's Health and Genetics/Laboratory Corporation of America, LabCorp
Classification: Likely pathogenic for Familial hypocalciuric hypercalcemia. Last evaluated: 2025-06-30. Review status: criteria provided, single submitter. Criteria: LabCorp Variant Classification Summary - May 2015. Collection method: clinical testing. Allele origin: germline.
Comment: Variant summary: CASR c.2405A>G (p.Asn802Ser) results in a conservative amino acid change located in the GPCR family 3, C-terminal domain (IPR017978) of the encoded protein sequence. Algorithms developed to predict the effect of missense changes on protein structure and function are either unavailable or do not agree on the potential impact of this missense change. The variant allele was found at a frequency of 1.6e-05 in 251378 control chromosomes. c.2405A>G has been observed in individual(s) affected with Familial Hypocalciuric Hypercalcemia (Lia-Baldini_2013, Vargas-Poussou_2016, Dershem_2020). These data indicate that the variant is likely to be associated with disease. At least two publications report experimental evidence evaluating an impact on protein function (Lia-Baldini_2013, Dershem_2020). The variant was found to have reduced plasma membrane localization and a response to extracellular calcium that was approximately 50% of the WT protein. The following publications have been ascertained in the context of this evaluation (PMID: 26963950, 32386559, 23169696). ClinVar contains an entry for this variant (Variation ID: 379931). Based on the evidence outlined above, the variant was classified as likely pathogenic.

Greenwood Genetic Center Diagnostic Laboratories, Greenwood Genetic Center
Classification: Pathogenic for CASR-related disorder. Last evaluated: 2024-01-23. Review status: criteria provided, single submitter. Criteria: ACMG Guidelines, 2015. Collection method: clinical testing. Allele origin: germline. Affected: yes.
Comment: PS3, PM1, PM2, PM5_Supporting, PP2

Blueprint Genetics
Classification: Likely pathogenic for CASR-related disorders. Last evaluated: 2022-11-21. Review status: criteria provided, single submitter. Criteria: ACMG Guidelines, 2015. Collection method: clinical testing. Allele origin: germline. Affected: yes. Observed: 4 variant alleles.

Fulgent Genetics
Classification: Likely pathogenic for Familial hypocalciuric hypercalcemia 1; Neonatal severe primary hyperparathyroidism; Autosomal dominant hypocalcemia 1; Epilepsy, idiopathic generalized, susceptibility to, 8. Last evaluated: 2021-12-09. Review status: criteria provided, single submitter. Criteria: ACMG Guidelines, 2015. Collection method: clinical testing. Allele origin: unknown.

CeGaT Center for Human Genetics Tuebingen
Classification: Pathogenic. Last evaluated: 2016-09-01. Review status: criteria provided, single submitter. Criteria: CeGaT Center For Human Genetics Tuebingen Variant Classification Criteria Version 2. Collection method: clinical testing. Allele origin: germline. Affected: yes. Observed: 1 variant allele.

GeneDx
Classification: Pathogenic. Last evaluated: 2015-06-15. Review status: criteria provided, single submitter. Criteria: GeneDx Variant Classification (06012015). Collection method: clinical testing. Allele origin: germline. Affected: yes.
Comment: N802Swas not observed at any significant frequency in approximately 6,500 individuals of European and AfricanAmerican ancestry by the NHLBI Exome Sequencing Project. It is a conservative amino acid substitution,which is not likely to impact secondary protein structure as these residues share similar properties. Thissubstitution occurs at a position where amino acids with similar properties to asparagine are toleratedacross species. In silico analysis predicts this variant is probably damaging to the protein structure/function. In addition, missense variants at the same codon (N802I) and in nearby residues (R795W, P798T/L,E799K, N800T, A804D, F806S/L, M811V) have been reported in the Human Gene Mutation Database inassociation with CASR-related disorders (Stenson et al., 2014), supporting the functional importance of thisregion of the protein. Therefore, we consider N802S to be a pathogenic variant.

Literature cited by the submitters: PubMed 23169696 (cited by Labcorp Genetics (formerly Invitae), Labcorp and Women's Health and Genetics/Laboratory Corporation of America, LabCorp); PubMed 26963950 (cited by Labcorp Genetics (formerly Invitae), Labcorp and Women's Health and Genetics/Laboratory Corporation of America, LabCorp); PubMed 32386559 (cited by Labcorp Genetics (formerly Invitae), Labcorp and Women's Health and Genetics/Laboratory Corporation of America, LabCorp).

NM_000388.4(CASR):c.2405A>G (p.Asn802Ser)

Gene: CASR (calcium sensing receptor; plus strand). Cytogenetic location: 3q21.1.
Variant type: single nucleotide variant.
Coding change: c.2405A>G on transcript NM_000388.4 (MANE Select); coding-DNA position 2405, A replaced by G.
Protein change: p.Asn802Ser; replaces asparagine 802 with serine.
Molecular consequence: missense variant.
Genome position (GRCh38, 1-based): chr3:122,284,359, A>G. VCF-style: chr3-122284359-A-G. GRCh37 (hg19) VCF-style: chr3-122003206-A-G.
Other names: c.2435A>G, p.Asn812Ser (NM_001178065.2); short protein forms N802S, N812S.
Identifiers: ClinVar variation 379931 (VCV000379931.59), dbSNP rs140022350, ClinGen allele CA2569822.